The following is an entry in ClinVar:

ClinVar aggregate classification (germline): Pathogenic (1 of 4 stars; one submission).

Conditions:
Primary ciliary dyskinesia. Also called: Ciliary dyskinesia. Identifiers: Orphanet 244, MedGen C0008780, MONDO:0016575, HP:0012265.

Submission:

Labcorp Genetics (formerly Invitae), Labcorp
Classification: Pathogenic for Primary ciliary dyskinesia. Last evaluated: 2022-04-10. Review status: criteria provided, single submitter. Criteria: Invitae Variant Classification Sherloc (09022015). Collection method: clinical testing. Allele origin: germline.
Comment: This variant has not been reported in the literature in individuals affected with RPGR (ORF15)-related conditions. For these reasons, this variant has been classified as Pathogenic. This variant disrupts a region of the RPGR (ORF15) protein in which other variant(s) (p.Leu1130Lysfs*13) have been determined to be pathogenic (PMID: 22264887; Invitae). This suggests that this is a clinically significant region of the protein, and that variants that disrupt it are likely to be disease-causing. This variant is not present in population databases (gnomAD no frequency). This sequence change creates a premature translational stop signal (p.Arg723*) in the RPGR (ORF15) gene. While this is not anticipated to result in nonsense mediated decay, it is expected to disrupt the last 430 amino acid(s) of the RPGR (ORF15) protein.

Literature cited by the submitters: PubMed 22264887.

NM_001034853.2(RPGR):c.2167A>T (p.Arg723Ter)

Gene: RPGR (retinitis pigmentosa GTPase regulator; minus strand). Cytogenetic location: Xp11.4.
Variant type: single nucleotide variant.
Coding change: c.2167A>T on transcript NM_001034853.2 (MANE Select); coding-DNA position 2167, A replaced by T.
Protein change: p.Arg723Ter; replaces arginine 723 with a stop codon.
Molecular consequence: nonsense. On other transcripts: intron variant (8).
Genome position (GRCh38, 1-based): chrX:38,286,832, T>A on the plus strand (A>T on the coding strand, the complement: RPGR is on the minus strand). VCF-style: chrX-38286832-T-A. GRCh37 (hg19) VCF-style: chrX-38146085-T-A.
Other names: c.1569+4127A>T (NM_001367249.1, NM_001367250.1); c.1902+262A>T (NM_001367245.1); c.1386+4127A>T (NM_001367251.1); c.1719+262A>T (NM_001367246.1); c.1572+4127A>T (NM_001367247.1); c.1905+262A>T (NM_000328.3); c.1602+4127A>T (NM_001367248.1); short protein forms R723*.
Identifiers: ClinVar variation 2124355 (VCV002124355.4), dbSNP rs2519793247, ClinGen allele CA412731288.